The following is an entry in ClinVar:

NM_000836.4(GRIN2D):c.2987C>G (p.Ala996Gly)

Gene: GRIN2D (glutamate ionotropic receptor NMDA type subunit 2D; plus strand). Cytogenetic location: 19q13.33.
Variant type: single nucleotide variant.
Coding change: c.2987C>G on transcript NM_000836.4 (MANE Select); coding-DNA position 2987, C replaced by G.
Protein change: p.Ala996Gly; replaces alanine 996 with glycine.
Molecular consequence: missense variant.
Genome position (GRCh38, 1-based): chr19:48,442,913, C>G. VCF-style: chr19-48442913-C-G. GRCh37 (hg19) VCF-style: chr19-48946170-C-G.
Other names: short protein forms A996G.
Identifiers: ClinVar variation 2775930 (VCV002775930.3), dbSNP rs1158572397, ClinGen allele CA406674526.

ClinVar aggregate classification (germline): Uncertain significance (1 of 4 stars; one submission).

gnomAD v4.1: 1 of 1,108,646 alleles (0.00009%); highest among the groups gnomAD compares: African/African-American, 0.0017%; no homozygotes.

Submission:

Labcorp Genetics (formerly Invitae), Labcorp
Classification: Uncertain significance. Last evaluated: 2023-11-06. Review status: criteria provided, single submitter. Criteria: Invitae Variant Classification Sherloc (09022015). Collection method: clinical testing. Allele origin: germline.
Comment: This sequence change replaces alanine, which is neutral and non-polar, with glycine, which is neutral and non-polar, at codon 996 of the GRIN2D protein (p.Ala996Gly). The frequency data for this variant in the population databases is considered unreliable, as metrics indicate insufficient coverage at this position in the gnomAD database. This variant has not been reported in the literature in individuals affected with GRIN2D-related conditions. Advanced modeling of protein sequence and biophysical properties (such as structural, functional, and spatial information, amino acid conservation, physicochemical variation, residue mobility, and thermodynamic stability) performed at Invitae indicates that this missense variant is not expected to disrupt GRIN2D protein function with a negative predictive value of 95%. In summary, the available evidence is currently insufficient to determine the role of this variant in disease. Therefore, it has been classified as a Variant of Uncertain Significance.